The following is an entry in ClinVar:

NM_001195263.2(PDZD7):c.1574-45_1574-3del

Gene: PDZD7 (PDZ domain containing 7; minus strand). Cytogenetic location: 10q24.31.
Variant type: Deletion.
Coding change: c.1574-45_1574-3del on transcript NM_001195263.2 (MANE Select); 45 bases into the intron before coding-DNA position 1574 through 3 bases into the intron before coding-DNA position 1574, 43 bases deleted.
Molecular consequence: intron variant.
Genome position (GRCh38, 1-based): chr10:101,015,814-101,015,856, 43 bases deleted; deleting any 43 consecutive bases within chr10:101,015,814-101,015,863 gives the same sequence; the c. name uses the placement nearest the transcript's 3' end. GRCh37 (hg19): chr10:102,775,578-102,775,620.
Identifiers: ClinVar variation 942313 (VCV000942313.8), dbSNP rs1852595110, ClinGen allele CA1139661658.

ClinVar aggregate classification (germline): Uncertain significance (1 of 4 stars; one submission).

Submission:

Labcorp Genetics (formerly Invitae), Labcorp
Classification: Uncertain significance. Last evaluated: 2023-04-05. Review status: criteria provided, single submitter. Criteria: Invitae Variant Classification Sherloc (09022015). Collection method: clinical testing. Allele origin: germline.
Comment: In summary, the available evidence is currently insufficient to determine the role of this variant in disease. Therefore, it has been classified as a Variant of Uncertain Significance. Algorithms developed to predict the effect of sequence changes on RNA splicing suggest that this variant may disrupt the consensus splice site. ClinVar contains an entry for this variant (Variation ID: 942313). This variant has not been reported in the literature in individuals affected with PDZD7-related conditions. This variant is not present in population databases (gnomAD no frequency). This sequence change falls in intron 10 of the PDZD7 gene. It does not directly change the encoded amino acid sequence of the PDZD7 protein.